The following is an entry in ClinVar:

NM_004360.5(CDH1):c.858C>A (p.Ala286=)

Gene: CDH1 (cadherin 1; plus strand). Cytogenetic location: 16q22.1.
Variant type: single nucleotide variant.
Coding change: c.858C>A on transcript NM_004360.5 (MANE Select); coding-DNA position 858, C replaced by A.
Protein change: p.Ala286=; no amino-acid change (alanine 286 retained).
Molecular consequence: synonymous variant. On other transcripts: 5 prime UTR variant (2).
Genome position (GRCh38, 1-based): chr16:68,811,709, C>A. VCF-style: chr16-68811709-C-A. GRCh37 (hg19) VCF-style: chr16-68845612-C-A.
Other names: c.858C>A, p.Ala286= (NM_001317184.2); c.-758C>A (NM_001317185.2); c.-962C>A (NM_001317186.2); c.858C>A (LRG_301t1, NM_004360.4).
Identifiers: ClinVar variation 233360 (VCV000233360.23), dbSNP rs876660354, ClinGen allele CA10580094.

ClinVar aggregate classification (germline): Benign/Likely benign. Review status: criteria provided, multiple submitters, no conflicts (2 of 4 stars). 7 submissions from 7 submitters: Benign (2); Likely benign (5). Last evaluated 2025-12-12.

Conditions:
CDH1-related diffuse gastric and lobular breast cancer syndrome. Also called: CDH1-related diffuse gastric and lobular breast cancer. Identifiers: MedGen CN311521, MONDO:0100488.
Breast and/or ovarian cancer. Identifiers: MedGen CN221562.
Hereditary cancer-predisposing syndrome. Also called: Tumor predisposition; Hereditary Cancer Syndrome; Hereditary neoplastic syndrome; Neoplastic Syndromes, Hereditary. Identifiers: Orphanet 140162, MedGen C0027672, MeSH D009386, MONDO:0015356.
Hereditary diffuse gastric adenocarcinoma (HDGC). Also called: DIFFUSE GASTRIC AND LOBULAR BREAST CANCER SYNDROME. Identifiers: Orphanet 26106, MedGen C1708349, MONDO:0007648, OMIM 137215.

Allele frequency attached by ClinVar (database versions not stated): gnomAD exomes below 0.00001; gnomAD 0.00001; TOPMed 0.00001.
gnomAD v4.1: 33 of 1,613,942 alleles (0.002%); highest among the groups gnomAD compares: Non-Finnish European, 0.0027%; 1 homozygote.

Submissions (7):

Labcorp Genetics (formerly Invitae), Labcorp
Classification: Likely benign for Hereditary diffuse gastric adenocarcinoma. Last evaluated: 2025-12-12. Review status: criteria provided, single submitter. Criteria: Invitae Variant Classification Sherloc (09022015). Collection method: clinical testing. Allele origin: germline.

Department of Pathology and Laboratory Medicine, Sinai Health System
Classification: Likely benign for CDH1-related diffuse gastric and lobular breast cancer syndrome. Last evaluated: 2024-10-15. Review status: criteria provided, single submitter. Criteria: ACMG Guidelines, 2015. Collection method: clinical testing. Allele origin: germline.

Myriad Genetics, Inc.
Classification: Benign for Hereditary diffuse gastric adenocarcinoma. Last evaluated: 2024-09-16. Review status: criteria provided, single submitter. Criteria: Myriad Autosomal Dominant, Autosomal Recessive and X-Linked Classification Criteria (2023). Collection method: clinical testing. Allele origin: unknown.
Comment: This variant is considered benign. This variant is a silent/synonymous amino acid change and it is not expected to impact splicing.

CHEO Genetics Diagnostic Laboratory, Children's Hospital of Eastern Ontario
Classification: Likely benign for Breast and/or ovarian cancer. Last evaluated: 2022-09-06. Review status: criteria provided, single submitter. Criteria: ACMG Guidelines, 2015. Collection method: clinical testing. Allele origin: germline.

GeneDx
Classification: Likely benign. Last evaluated: 2021-04-05. Review status: criteria provided, single submitter. Criteria: GeneDx Variant Classification Process June 2021. Collection method: clinical testing. Allele origin: germline. Affected: yes.

Color Diagnostics, LLC DBA Color Health
Classification: Benign for Hereditary cancer-predisposing syndrome. Last evaluated: 2016-08-13. Review status: criteria provided, single submitter. Criteria: ACMG Guidelines, 2015. Collection method: clinical testing. Allele origin: germline.

Ambry Genetics
Classification: Likely benign for Hereditary cancer-predisposing syndrome. Last evaluated: 2015-08-13. Review status: criteria provided, single submitter. Criteria: Ambry Variant Classification Scheme 2023. Collection method: clinical testing. Allele origin: germline.